The following is an entry in ClinVar:

NM_001170629.2(CHD8):c.2486+6G>C

Gene: CHD8 (chromodomain helicase DNA binding protein 8; minus strand). Cytogenetic location: 14q11.2.
Variant type: single nucleotide variant.
Coding change: c.2486+6G>C on transcript NM_001170629.2 (MANE Select); 6 bases into the intron after coding-DNA position 2486, G replaced by C.
Molecular consequence: intron variant.
Genome position (GRCh38, 1-based): chr14:21,408,698, C>G on the plus strand (G>C on the coding strand, the complement: CHD8 is on the minus strand). VCF-style: chr14-21408698-C-G. GRCh37 (hg19) VCF-style: chr14-21876857-C-G.
Other names: c.1649+6G>C (NM_020920.4).
Identifiers: ClinVar variation 3728188 (VCV003728188.2).

ClinVar aggregate classification (germline): Uncertain significance (1 of 4 stars; one submission).

gnomAD v4.1: 1 of 1,609,054 alleles (0.000062%); highest among the groups gnomAD compares: Non-Finnish European, 0.000085%; no homozygotes.

Submission:

Labcorp Genetics (formerly Invitae), Labcorp
Classification: Uncertain significance. Last evaluated: 2025-03-13. Review status: criteria provided, single submitter. Criteria: Invitae Variant Classification Sherloc (09022015). Collection method: clinical testing. Allele origin: germline.
Comment: This sequence change falls in intron 11 of the CHD8 gene. It does not directly change the encoded amino acid sequence of the CHD8 protein. It affects a nucleotide within the consensus splice site. This variant is not present in population databases (gnomAD no frequency). This variant has not been reported in the literature in individuals affected with CHD8-related conditions. Variants that disrupt the consensus splice site are a relatively common cause of aberrant splicing (PMID: 17576681, 9536098). Algorithms developed to predict the effect of sequence changes on RNA splicing suggest that this variant is not likely to affect RNA splicing. In summary, the available evidence is currently insufficient to determine the role of this variant in disease. Therefore, it has been classified as a Variant of Uncertain Significance.

Literature cited by the submitters: PubMed 17576681; PubMed 9536098.